The following is an entry in ClinVar:

ClinVar aggregate classification (germline): Uncertain significance (1 of 4 stars; one submission).

gnomAD v4.1: 1 of 1,614,006 alleles (0.000062%); highest among the groups gnomAD compares: East Asian, 0.0022%; no homozygotes.

Submission:

Ambry Genetics
Classification: Uncertain significance. Last evaluated: 2024-12-08. Review status: criteria provided, single submitter. Criteria: Ambry Variant Classification Scheme 2023. Collection method: clinical testing. Allele origin: germline.
Comment: The p.A671T variant (also known as c.2011G>A), located in coding exon 1 of the TET2 gene, results from a G to A substitution at nucleotide position 2011. The alanine at codon 671 is replaced by threonine, an amino acid with similar properties. This amino acid position is conserved. In addition, this alteration is predicted to be tolerated by in silico analysis. Based on the available evidence, the clinical significance of this variant remains unclear.

NM_001127208.3(TET2):c.2011G>A (p.Ala671Thr)

Genes: TET2 (tet methylcytosine dioxygenase 2; plus strand), TET2-AS1 (TET2 antisense RNA 1; minus strand). Cytogenetic location: 4q24.
Variant type: single nucleotide variant.
Coding change: c.2011G>A on transcript NM_001127208.3 (MANE Select); coding-DNA position 2011, G replaced by A.
Protein change: p.Ala671Thr; replaces alanine 671 with threonine.
Molecular consequence: missense variant.
Genome position (GRCh38, 1-based): chr4:105,235,953, G>A. VCF-style: chr4-105235953-G-A. GRCh37 (hg19) VCF-style: chr4-106157110-G-A.
Other names: c.2011G>A, p.Ala671Thr (NM_017628.4); short protein forms A671T.
Identifiers: ClinVar variation 3455387 (VCV003455387.1).